The following is an entry in ClinVar:

ClinVar aggregate classification (germline): Uncertain significance. Review status: criteria provided, multiple submitters, no conflicts (2 of 4 stars). 4 submissions from 4 submitters: Uncertain significance (4). Last evaluated 2025-02-17.

Conditions:
Hypertrophic cardiomyopathy 20. Identifiers: MedGen C3151267, MONDO:0013477, OMIM 613876.
Dilated cardiomyopathy 1CC (CMD1CC). Identifiers: Orphanet 154, MedGen C2751084, MONDO:0013147, OMIM 613122.
Cardiovascular phenotype. Identifiers: MedGen CN230736.

Allele frequency attached by ClinVar (database versions not stated): gnomAD 0.00001; gnomAD exomes 0.00001 and 0.00003; TOPMed 0.00001.

Submissions (4):

Revvity Omics, Revvity
Classification: Uncertain significance. Last evaluated: 2025-02-17. Review status: criteria provided, single submitter. Criteria: ACMG Guidelines, 2015. Collection method: clinical testing. Allele origin: germline.

Ambry Genetics
Classification: Uncertain significance for Cardiovascular phenotype. Last evaluated: 2024-12-28. Review status: criteria provided, single submitter. Criteria: Ambry Variant Classification Scheme 2023. Collection method: clinical testing. Allele origin: germline.
Comment: The p.E110Q variant (also known as c.328G>C), located in coding exon 4 of the NEXN gene, results from a G to C substitution at nucleotide position 328. The glutamic acid at codon 110 is replaced by glutamine, an amino acid with highly similar properties. This amino acid position is highly conserved in available vertebrate species. In addition, the in silico prediction for this alteration is inconclusive. Since supporting evidence is limited at this time, the clinical significance of this alteration remains unclear.

Labcorp Genetics (formerly Invitae), Labcorp
Classification: Uncertain significance for Dilated cardiomyopathy 1CC; Hypertrophic cardiomyopathy 20. Last evaluated: 2022-09-27. Review status: criteria provided, single submitter. Criteria: Invitae Variant Classification Sherloc (09022015). Collection method: clinical testing. Allele origin: germline.
Comment: In summary, the available evidence is currently insufficient to determine the role of this variant in disease. Therefore, it has been classified as a Variant of Uncertain Significance. Advanced modeling of protein sequence and biophysical properties (such as structural, functional, and spatial information, amino acid conservation, physicochemical variation, residue mobility, and thermodynamic stability) has been performed at Invitae for this missense variant, however the output from this modeling did not meet the statistical confidence thresholds required to predict the impact of this variant on NEXN protein function. ClinVar contains an entry for this variant (Variation ID: 1359046). This missense change has been observed in individual(s) with dilated cardiomyopathy (PMID: 26659360). This variant is present in population databases (rs754671609, gnomAD 0.002%). This sequence change replaces glutamic acid, which is acidic and polar, with glutamine, which is neutral and polar, at codon 110 of the NEXN protein (p.Glu110Gln).

Fulgent Genetics
Classification: Uncertain significance for Dilated cardiomyopathy 1CC; Hypertrophic cardiomyopathy 20. Last evaluated: 2021-10-25. Review status: criteria provided, single submitter. Criteria: ACMG Guidelines, 2015. Collection method: clinical testing. Allele origin: unknown.

Literature cited by the submitters: PubMed 26659360 (cited by Ambry Genetics and Labcorp Genetics (formerly Invitae), Labcorp).

NM_144573.4(NEXN):c.328G>C (p.Glu110Gln)

Genes: NEXN (nexilin F-actin binding protein; plus strand), LOC126805765 (BRD4-independent group 4 enhancer GRCh37_chr1:78383688-78384887; plus strand). Cytogenetic location: 1p31.1.
Variant type: single nucleotide variant.
Coding change: c.328G>C on transcript NM_144573.4 (MANE Select); coding-DNA position 328, G replaced by C.
Protein change: p.Glu110Gln; replaces glutamic acid 110 with glutamine.
Molecular consequence: missense variant.
Genome position (GRCh38, 1-based): chr1:77,918,154, G>C. VCF-style: chr1-77918154-G-C. GRCh37 (hg19) VCF-style: chr1-78383839-G-C.
Other names: c.136G>C, p.Glu46Gln (NM_001172309.2); short protein forms E46Q, E110Q.
Identifiers: ClinVar variation 1359046 (VCV001359046.10), dbSNP rs754671609, ClinGen allele CA24705386.
Genomic context (GRCh38, chr1:77,918,154, plus strand): 5'-AGTATCAAACTTTTTTTTCATATATTTTTAGGAACTGTGAAGGGTAGATTTGCTGAAATG[G>C]AGAAACAAAGACAAGAGGAACAAAGGAAGAGAACGGAGGAGGAACGAAAACGCAGAATTG-3'
Protein context (NP_653174.3, residues 100-120): GTVKGRFAEM[Glu110Gln]KQRQEEQRKR